The following is an entry in ClinVar:

NC_012920.1(MT-CO3):m.9801G>A

Gene: MT-CO3 (mitochondrially encoded cytochrome c oxidase III; plus strand).
Variant type: single nucleotide variant.
Genome position: chrM-9801-G-A.
Identifiers: ClinVar variation 693227 (VCV000693227.1), dbSNP rs1556423726, ClinGen allele CA414803744.
Genomic context (GRCh38, chrMT:9,801, plus strand): 5'-TCAGAGTACTTCGAGTCTCCCTTCACCATTTCCGACGGCATCTACGGCTCAACATTTTTT[G>A]TAGCCACAGGCTTCCACGGACTTCACGTCATTATTGGCTCAACTTTCCTCACTATCTGCT-3'

ClinVar aggregate classification (germline): Benign (1 of 4 stars; one submission).

Conditions:
Leigh syndrome (NULS). Also called: Leigh's necrotizing encephalopathy; Leigh's disease; Leigh Syndrome (mtDNA deletion); Leigh Disease; Subacute necrotizing encephalopathy; Necrotizing encephalopathy infantile subacute of Leigh. Identifiers: Orphanet 506, MedGen C2931891, MONDO:0009723, OMIM 256000.

Submission:

Wong Mito Lab, Molecular and Human Genetics, Baylor College of Medicine
Classification: Benign for Leigh syndrome. Last evaluated: 2019-10-17. Review status: criteria provided, single submitter. Criteria: Modified ACMG Guidelines (Unpublished). Collection method: clinical testing. Allele origin: germline.
Comment: The NC_012920.1:m.9801G>A (YP_003024032.1:p.Val199Met) variant in MTCO3 gene is interpretated to be a Benign variant based on the modified ACMG guidelines (unpublished). This variant meets the following evidence codes: BS1, BS2, BP4